The following is an entry in ClinVar:

NM_015662.3(IFT172):c.2443-5A>T

Gene: IFT172 (intraflagellar transport 172; minus strand). Cytogenetic location: 2p23.3.
Variant type: single nucleotide variant.
Coding change: c.2443-5A>T on transcript NM_015662.3 (MANE Select); 5 bases into the intron before coding-DNA position 2443, A replaced by T.
Molecular consequence: intron variant.
Genome position (GRCh38, 1-based): chr2:27,461,098, T>A on the plus strand (A>T on the coding strand, the complement: IFT172 is on the minus strand). VCF-style: chr2-27461098-T-A. GRCh37 (hg19) VCF-style: chr2-27683965-T-A.
Other names: c.2377-5A>T (NM_001410739.1).
Identifiers: ClinVar variation 3047355 (VCV003047355.2), dbSNP rs1666623985, ClinGen allele CA1240289843.

ClinVar aggregate classification (germline): Likely benign (0 of 4 stars; one submission).

Conditions:
IFT172-related disorder. Also called: IFT172-related disorders; IFT172-related condition.

Allele frequency attached by ClinVar (database versions not stated): gnomAD exomes below 0.00001; TOPMed below 0.00001.
gnomAD v4.1: 1 of 1,614,164 alleles (0.000062%); highest among the groups gnomAD compares: Non-Finnish European, 0.000085%; no homozygotes.

Submission:

PreventionGenetics, part of Exact Sciences
Classification: Likely benign for IFT172-related condition. Last evaluated: 2023-03-16. Review status: no assertion criteria provided. Collection method: clinical testing. Allele origin: germline.
Comment: This variant is classified as likely benign based on ACMG/AMP sequence variant interpretation guidelines (Richards et al. 2015 PMID: 25741868, with internal and published modifications).